The following is an entry in ClinVar:

ClinVar aggregate classification (germline): Uncertain significance (1 of 4 stars; one submission).

Conditions:
Perlman syndrome (PRLMNS). Identifiers: Orphanet 2849, MedGen C0796113, MONDO:0009965, OMIM 267000.

Allele frequency attached by ClinVar (database versions not stated): ExAC 0.00001.
gnomAD v4.1: 2 of 1,607,892 alleles (0.00012%); highest among the groups gnomAD compares: East Asian, 0.0045%; no homozygotes.

Submission:

Labcorp Genetics (formerly Invitae), Labcorp
Classification: Uncertain significance for Perlman syndrome. Last evaluated: 2020-10-27. Review status: criteria provided, single submitter. Criteria: Invitae Variant Classification Sherloc (09022015). Collection method: clinical testing. Allele origin: germline.
Comment: This variant is present in population databases (rs754326555, ExAC 0.01%). This sequence change replaces aspartic acid with asparagine at codon 876 of the DIS3L2 protein (p.Asp876Asn). The aspartic acid residue is weakly conserved and there is a small physicochemical difference between aspartic acid and asparagine. This variant has not been reported in the literature in individuals with DIS3L2-related conditions. In summary, the available evidence is currently insufficient to determine the role of this variant in disease. Therefore, it has been classified as a Variant of Uncertain Significance. Algorithms developed to predict the effect of missense changes on protein structure and function are either unavailable or do not agree on the potential impact of this missense change (SIFT: "Tolerated"; PolyPhen-2: "Not Available"; Align-GVGD: "Class C0").

NM_152383.5(DIS3L2):c.2626G>A (p.Asp876Asn)

Gene: DIS3L2 (DIS3 like 3'-5' exoribonuclease 2; plus strand). Cytogenetic location: 2q37.1.
Variant type: single nucleotide variant.
Coding change: c.2626G>A on transcript NM_152383.5 (MANE Select); coding-DNA position 2626, G replaced by A.
Protein change: p.Asp876Asn; replaces aspartic acid 876 with asparagine.
Molecular consequence: missense variant. On other transcripts: non-coding transcript variant (2), intron variant (1).
Genome position (GRCh38, 1-based): chr2:232,336,598, G>A. VCF-style: chr2-232336598-G-A. GRCh37 (hg19) VCF-style: chr2-233201308-G-A.
Other names: c.1582-6747G>A (NM_001257281.2); short protein forms D876N.
Identifiers: ClinVar variation 1002621 (VCV001002621.8), dbSNP rs754326555, ClinGen allele CA2164639.